The following is an entry in ClinVar:

NM_000540.3(RYR1):c.13540G>T (p.Val4514Phe)

Gene: RYR1 (ryanodine receptor 1; plus strand). Cytogenetic location: 19q13.2.
Variant type: single nucleotide variant.
Coding change: c.13540G>T on transcript NM_000540.3 (MANE Select); coding-DNA position 13540, G replaced by T.
Protein change: p.Val4514Phe; replaces valine 4514 with phenylalanine.
Molecular consequence: missense variant.
Genome position (GRCh38, 1-based): chr19:38,567,798, G>T. VCF-style: chr19-38567798-G-T. GRCh37 (hg19) VCF-style: chr19-39058438-G-T.
Other names: c.13525G>T, p.Val4509Phe (NM_001042723.2); short protein forms V4509F, V4514F.
Identifiers: ClinVar variation 2137101 (VCV002137101.3), dbSNP rs139285170, ClinGen allele CA060129.

ClinVar aggregate classification (germline): Uncertain significance. Review status: criteria provided, multiple submitters, no conflicts (2 of 4 stars). 3 submissions from 3 submitters: Uncertain significance (3). Last evaluated 2025-10-24.

Conditions:
RYR1-related disorder. Also called: RYR1-related condition; RYR1-related disorders. Identifiers: MedGen CN239331.
Inborn genetic diseases. Identifiers: MedGen C0950123, MeSH D030342.
Malignant hyperthermia, susceptibility to, 1 (MHS1). Also called: RYR1-Related Malignant Hyperthermia Susceptibility; Malignant hyperthermia suceptibility 1; Anesthesia related hyperthermia; Malignant hyperpyrexia; Fulminating hyperpyrexia; Pharmacogenic myopathy. Identifiers: Orphanet 423, MedGen C2930980, MONDO:0007783, OMIM 145600.

Allele frequency attached by ClinVar (database versions not stated): gnomAD exomes 0.00001; ExAC 0.00002; gnomAD 0.00007; TOPMed 0.00010; ESP Exome Variant Server 0.00015.
gnomAD v4.1: 19 of 1,614,040 alleles (0.0012%); highest among the groups gnomAD compares: African/African-American, 0.017%; no homozygotes.

Submissions (3):

Labcorp Genetics (formerly Invitae), Labcorp
Classification: Uncertain significance for RYR1-related disorder. Last evaluated: 2025-10-24. Review status: criteria provided, single submitter. Criteria: Invitae Variant Classification Sherloc (09022015). Collection method: clinical testing. Allele origin: germline.
Comment: This sequence change replaces valine, which is neutral and non-polar, with phenylalanine, which is neutral and non-polar, at codon 4514 of the RYR1 protein (p.Val4514Phe). This variant is present in population databases (rs139285170, gnomAD 0.02%). This variant has not been reported in the literature in individuals affected with RYR1-related conditions. ClinVar contains an entry for this variant (Variation ID: 2137101). Invitae Evidence Modeling of protein sequence and biophysical properties (such as structural, functional, and spatial information, amino acid conservation, physicochemical variation, residue mobility, and thermodynamic stability) indicates that this missense variant is not expected to disrupt RYR1 protein function with a negative predictive value of 80%. In summary, the available evidence is currently insufficient to determine the role of this variant in disease. Therefore, it has been classified as a Variant of Uncertain Significance.

Ambry Genetics
Classification: Uncertain significance for Inborn genetic diseases. Last evaluated: 2025-08-21. Review status: criteria provided, single submitter. Criteria: Ambry Variant Classification Scheme 2023. Collection method: clinical testing. Allele origin: germline.

Color Diagnostics, LLC DBA Color Health
Classification: Uncertain significance for Malignant hyperthermia, susceptibility to, 1. Last evaluated: 2023-11-15. Review status: criteria provided, single submitter. Criteria: ACMG Guidelines, 2015. Collection method: clinical testing. Allele origin: germline.
Comment: This missense variant replaces valine with phenylalanine at codon 4514 of the RYR1 protein. Computational prediction suggests that this variant may not impact protein structure and function. To our knowledge, functional studies have not been reported for this variant. This variant has not been reported in individuals affected with RYR1-related disorders in the literature. This variant has been identified in 11/280408 chromosomes in the general population by the Genome Aggregation Database (gnomAD). The available evidence is insufficient to determine the role of this variant in disease conclusively. Therefore, this variant is classified as a Variant of Uncertain Significance.